The following is an entry in ClinVar:

NM_001142800.2(EYS):c.3010A>G (p.Asn1004Asp)

Gene: EYS (EGF-like photoreceptor maintenance factor; minus strand). Cytogenetic location: 6q12.
Variant type: single nucleotide variant.
Coding change: c.3010A>G on transcript NM_001142800.2 (MANE Select); coding-DNA position 3010, A replaced by G.
Protein change: p.Asn1004Asp; replaces asparagine 1004 with aspartic acid.
Molecular consequence: missense variant.
Genome position (GRCh38, 1-based): chr6:64,822,805, T>C on the plus strand (A>G on the coding strand, the complement: EYS is on the minus strand). VCF-style: chr6-64822805-T-C. GRCh37 (hg19) VCF-style: chr6-65532698-T-C.
Other names: c.3010A>G, p.Asn1004Asp (NM_001292009.2); short protein forms N1004D.
Identifiers: ClinVar variation 1026961 (VCV001026961.8), dbSNP rs781222768, ClinGen allele CA140369241.
Genomic context (GRCh38, chr6:64,822,805, plus strand): 5'-TGATGCCATCGATACAAACTCCATCATGGAGACAGGGCTCTGATAGGCATTCATCTAGAT[T>C]TATTTCACAGTTGATGCCTGTGTTGGAACAGACAAGGCAAAACATGAAACCATTTAAATA-3'
Protein context (NP_001136272.1, residues 994-1014): PGYTGINCEI[Asn1004Asp]LDECLSEPCL

ClinVar aggregate classification (germline): Uncertain significance. Review status: criteria provided, multiple submitters, no conflicts (2 of 4 stars). 3 submissions from 3 submitters: Uncertain significance (2). 1 of the submissions does not count toward it. Last evaluated 2025-12-20.

Conditions:
Retinitis pigmentosa 25 (RP25). Identifiers: Orphanet 791, MedGen C1864446, MONDO:0011272, OMIM 602772.

Allele frequency attached by ClinVar (database versions not stated): TOPMed 0.00007.
gnomAD v4.1: 13 of 1,549,218 alleles (0.00084%); highest among the groups gnomAD compares: African/African-American, 0.015%; no homozygotes.

Submissions (3):

Labcorp Genetics (formerly Invitae), Labcorp
Classification: Uncertain significance. Last evaluated: 2025-12-20. Review status: criteria provided, single submitter. Criteria: Invitae Variant Classification Sherloc (09022015). Collection method: clinical testing. Allele origin: germline.
Comment: This sequence change replaces asparagine, which is neutral and polar, with aspartic acid, which is acidic and polar, at codon 1004 of the EYS protein (p.Asn1004Asp). This variant is not present in population databases (gnomAD no frequency). This variant has not been reported in the literature in individuals affected with EYS-related conditions. ClinVar contains an entry for this variant (Variation ID: 1026961). Invitae Evidence Modeling of protein sequence and biophysical properties (such as structural, functional, and spatial information, amino acid conservation, physicochemical variation, residue mobility, and thermodynamic stability) indicates that this missense variant is not expected to disrupt EYS protein function with a negative predictive value of 80%. In summary, the available evidence is currently insufficient to determine the role of this variant in disease. Therefore, it has been classified as a Variant of Uncertain Significance.

Blueprint Genetics
Classification: Uncertain significance. Last evaluated: 2022-09-27. Review status: criteria provided, single submitter. Criteria: ACMG Guidelines, 2015. Collection method: clinical testing. Allele origin: germline.

Natera, Inc.
Classification: Uncertain significance for Retinitis pigmentosa type 25. Last evaluated: 2020-07-17. Review status: no assertion criteria provided. Collection method: clinical testing. Allele origin: germline. Not counted in ClinVar's aggregate classification.